The following is an entry in ClinVar:

NM_000350.3(ABCA4):c.4546C>A (p.Gln1516Lys)

Gene: ABCA4 (ATP binding cassette subfamily A member 4; minus strand). Cytogenetic location: 1p22.1.
Variant type: single nucleotide variant.
Coding change: c.4546C>A on transcript NM_000350.3 (MANE Select); coding-DNA position 4546, C replaced by A.
Protein change: p.Gln1516Lys; replaces glutamine 1516 with lysine.
Molecular consequence: missense variant.
Genome position (GRCh38, 1-based): chr1:94,025,042, G>T on the plus strand (C>A on the coding strand, the complement: ABCA4 is on the minus strand). VCF-style: chr1-94025042-G-T. GRCh37 (hg19) VCF-style: chr1-94490598-G-T.
Other names: c.4324C>A, p.Gln1442Lys (NM_001425324.1); short protein forms Q1516K, Q1442K.
Identifiers: ClinVar variation 2049849 (VCV002049849.4), dbSNP rs2523707333, ClinGen allele CA341284739.

ClinVar aggregate classification (germline): Uncertain significance (1 of 4 stars; one submission).

Submission:

Labcorp Genetics (formerly Invitae), Labcorp
Classification: Uncertain significance. Last evaluated: 2022-08-16. Review status: criteria provided, single submitter. Criteria: Invitae Variant Classification Sherloc (09022015). Collection method: clinical testing. Allele origin: germline.
Comment: Algorithms developed to predict the effect of missense changes on protein structure and function are either unavailable or do not agree on the potential impact of this missense change (SIFT: "Deleterious"; PolyPhen-2: "Benign"; Align-GVGD: "Class C45"). This variant has not been reported in the literature in individuals affected with ABCA4-related conditions. This variant is not present in population databases (gnomAD no frequency). This sequence change replaces glutamine, which is neutral and polar, with lysine, which is basic and polar, at codon 1516 of the ABCA4 protein (p.Gln1516Lys). In summary, the available evidence is currently insufficient to determine the role of this variant in disease. Therefore, it has been classified as a Variant of Uncertain Significance.